The following is an entry in ClinVar:

NM_006941.4(SOX10):c.-84-6A>C

Genes: POLR2F (RNA polymerase II, I and III subunit F; plus strand), SOX10 (SRY-box transcription factor 10; minus strand). Cytogenetic location: 22q13.1.
Variant type: single nucleotide variant.
Coding change: c.-84-6A>C on transcript NM_006941.4 (MANE Select); 6 bases into the intron before 84 bases upstream of the start codon, A replaced by C.
Molecular consequence: intron variant.
Genome position (GRCh38, 1-based): chr22:37,983,874, T>G on the plus strand (A>C on the coding strand, the complement: SOX10 is on the minus strand). VCF-style: chr22-37983874-T-G. GRCh37 (hg19) VCF-style: chr22-38379881-T-G.
Other names: c.*38+11564T>G (NM_001363825.1); c.294-2280T>G (NM_001301130.2); c.293+16704T>G (NM_001301131.2).
Identifiers: ClinVar variation 678530 (VCV000678530.3), dbSNP rs1601887413, ClinGen allele CA915951354.

ClinVar aggregate classification (germline): Likely benign (1 of 4 stars; one submission).

Submission:

GeneDx
Classification: Likely benign. Last evaluated: 2018-03-12. Review status: criteria provided, single submitter. Criteria: GeneDx Variant Classification (06012015). Collection method: clinical testing. Allele origin: germline. Affected: yes.
Comment: This variant is considered likely benign or benign based on one or more of the following criteria: it is a conservative change, it occurs at a poorly conserved position in the protein, it is predicted to be benign by multiple in silico algorithms, and/or has population frequency not consistent with disease.